The following is an entry in ClinVar:

NM_000208.4(INSR):c.38C>T (p.Pro13Leu)

Gene: INSR (insulin receptor; minus strand). Cytogenetic location: 19p13.2.
Variant type: single nucleotide variant.
Coding change: c.38C>T on transcript NM_000208.4 (MANE Select); coding-DNA position 38, C replaced by T.
Protein change: p.Pro13Leu; replaces proline 13 with leucine.
Molecular consequence: missense variant.
Genome position (GRCh38, 1-based): chr19:7,293,854, G>A on the plus strand (C>T on the coding strand, the complement: INSR is on the minus strand). VCF-style: chr19-7293854-G-A. GRCh37 (hg19) VCF-style: chr19-7293865-G-A.
Other names: c.38C>T, p.Pro13Leu (NM_001079817.3); short protein forms P13L.
Identifiers: ClinVar variation 1944717 (VCV001944717.5), dbSNP rs1023611589, ClinGen allele CA403162594.

ClinVar aggregate classification (germline): Uncertain significance (1 of 4 stars; one submission).

gnomAD v4.1: 28 of 1,254,630 alleles (0.0022%); highest among the groups gnomAD compares: Non-Finnish European, 0.0028%; no homozygotes.

Submission:

Labcorp Genetics (formerly Invitae), Labcorp
Classification: Uncertain significance. Last evaluated: 2025-01-06. Review status: criteria provided, single submitter. Criteria: Invitae Variant Classification Sherloc (09022015). Collection method: clinical testing. Allele origin: germline.
Comment: This sequence change replaces proline, which is neutral and non-polar, with leucine, which is neutral and non-polar, at codon 13 of the INSR protein (p.Pro13Leu). This variant is not present in population databases (gnomAD no frequency). This variant has not been reported in the literature in individuals affected with INSR-related conditions. ClinVar contains an entry for this variant (Variation ID: 1944717). Invitae Evidence Modeling of protein sequence and biophysical properties (such as structural, functional, and spatial information, amino acid conservation, physicochemical variation, residue mobility, and thermodynamic stability) indicates that this missense variant is not expected to disrupt INSR protein function with a negative predictive value of 95%. In summary, the available evidence is currently insufficient to determine the role of this variant in disease. Therefore, it has been classified as a Variant of Uncertain Significance.